The following is an entry in ClinVar:

ClinVar aggregate classification (germline): Uncertain significance (1 of 4 stars; one submission).

Conditions:
Neonatal encephalomyopathy-cardiomyopathy-respiratory distress syndrome. Also called: Coenzyme Q10 deficiency, primary, 7. Identifiers: Orphanet 457185, MedGen C5568562, MONDO:0014562, OMIM 616276.

Allele frequency attached by ClinVar (database versions not stated): TOPMed below 0.00001; ExAC 0.00001.

Submission:

Labcorp Genetics (formerly Invitae), Labcorp
Classification: Uncertain significance for Neonatal encephalomyopathy-cardiomyopathy-respiratory distress syndrome. Last evaluated: 2022-03-12. Review status: criteria provided, single submitter. Criteria: Invitae Variant Classification Sherloc (09022015). Collection method: clinical testing. Allele origin: germline.
Comment: In summary, the available evidence is currently insufficient to determine the role of this variant in disease. Therefore, it has been classified as a Variant of Uncertain Significance. Algorithms developed to predict the effect of missense changes on protein structure and function (SIFT, PolyPhen-2, Align-GVGD) all suggest that this variant is likely to be tolerated. This variant has not been reported in the literature in individuals affected with COQ4-related conditions. This variant is present in population databases (rs750029430, gnomAD 0.007%). This sequence change replaces serine, which is neutral and polar, with asparagine, which is neutral and polar, at codon 31 of the COQ4 protein (p.Ser31Asn).

NM_016035.5(COQ4):c.92G>A (p.Ser31Asn)

Gene: COQ4 (coenzyme Q4; plus strand). Cytogenetic location: 9q34.11.
Variant type: single nucleotide variant.
Coding change: c.92G>A on transcript NM_016035.5 (MANE Select); coding-DNA position 92, G replaced by A.
Protein change: p.Ser31Asn; replaces serine 31 with asparagine.
Molecular consequence: missense variant.
Genome position (GRCh38, 1-based): chr9:128,323,037, G>A. VCF-style: chr9-128323037-G-A. GRCh37 (hg19) VCF-style: chr9-131085316-G-A.
Other names: c.92G>A, p.Ser31Asn (NM_001305942.2); short protein forms S31N.
Identifiers: ClinVar variation 2110388 (VCV002110388.4), dbSNP rs750029430, ClinGen allele CA5260405.